The following is an entry in ClinVar:

NM_198576.4(AGRN):c.843G>C (p.Glu281Asp)

Gene: AGRN (agrin; plus strand). Cytogenetic location: 1p36.33.
Variant type: single nucleotide variant.
Coding change: c.843G>C on transcript NM_198576.4 (MANE Select); coding-DNA position 843, G replaced by C.
Protein change: p.Glu281Asp; replaces glutamic acid 281 with aspartic acid.
Molecular consequence: missense variant.
Genome position (GRCh38, 1-based): chr1:1,041,288, G>C. VCF-style: chr1-1041288-G-C. GRCh37 (hg19) VCF-style: chr1-976668-G-C.
Other names: c.843G>C, p.Glu281Asp (NM_001305275.2); c.528G>C, p.Glu176Asp (NM_001364727.2); short protein forms E176D, E281D.
Identifiers: ClinVar variation 2136452 (VCV002136452.1), dbSNP rs1174936275, ClinGen allele CA337824355.

ClinVar aggregate classification (germline): Uncertain significance (1 of 4 stars; one submission).

Conditions:
Congenital myasthenic syndrome 8. Also called: Myasthenic syndrome, congenital, 8, with pre- and postsynaptic defects; MYASTHENIC SYNDROME, CONGENITAL, DUE TO AGRIN DEFICIENCY. Identifiers: Orphanet 590, MedGen C3808739, MONDO:0014052, OMIM 615120.

Allele frequency attached by ClinVar (database versions not stated): TOPMed below 0.00001; gnomAD 0.00001; gnomAD exomes 0.00001.
gnomAD v4.1: 13 of 1,514,982 alleles (0.00086%); highest among the groups gnomAD compares: Non-Finnish European, 0.0011%; no homozygotes.

Submission:

Labcorp Genetics (formerly Invitae), Labcorp
Classification: Uncertain significance for Congenital myasthenic syndrome 8. Last evaluated: 2022-10-12. Review status: criteria provided, single submitter. Criteria: Invitae Variant Classification Sherloc (09022015). Collection method: clinical testing. Allele origin: germline.
Comment: This sequence change replaces glutamic acid, which is acidic and polar, with aspartic acid, which is acidic and polar, at codon 281 of the AGRN protein (p.Glu281Asp). This variant is not present in population databases (gnomAD no frequency). This variant has not been reported in the literature in individuals affected with AGRN-related conditions. Algorithms developed to predict the effect of missense changes on protein structure and function output the following: SIFT: "Tolerated"; PolyPhen-2: "Possibly Damaging"; Align-GVGD: "Class C0". The aspartic acid amino acid residue is found in multiple mammalian species, which suggests that this missense change does not adversely affect protein function. In summary, the available evidence is currently insufficient to determine the role of this variant in disease. Therefore, it has been classified as a Variant of Uncertain Significance.